The following is an entry in ClinVar:

NM_012254.3(SLC27A5):c.1417_1425del (p.Ala473_Glu475del)

Gene: SLC27A5 (solute carrier family 27 member 5; minus strand). Cytogenetic location: 19q13.43.
Variant type: Deletion.
Coding change: c.1417_1425del on transcript NM_012254.3 (MANE Select); coding-DNA positions 1417 to 1425, 9 bases deleted (GCGGCGGAG; older notation c.1417_1425delGCGGCGGAG).
Protein change: p.Ala473_Glu475del.
Genome position (GRCh38, 1-based): chr19:58,500,382-58,500,390, CTCCGCCGC deleted on the plus strand (GCGGCGGAG on the coding strand, the reverse complement: SLC27A5 is on the minus strand); deleting any 9 consecutive bases within chr19:58,500,382-58,500,394 gives the same sequence; the c. name uses the placement nearest the transcript's 3' end. VCF-style (leftmost placement, unchanged base first): chr19-58500381-GCTCCGCCGC-G. GRCh37 (hg19) VCF-style: chr19-59011748-GCTCCGCCGC-G.
Other names: c.1165_1173del, p.Ala389_Glu391del (NM_001321196.2).
Identifiers: ClinVar variation 3689222 (VCV003689222.2).

ClinVar aggregate classification (germline): Uncertain significance (1 of 4 stars; one submission).

Submission:

Labcorp Genetics (formerly Invitae), Labcorp
Classification: Uncertain significance. Last evaluated: 2024-09-06. Review status: criteria provided, single submitter. Criteria: Invitae Variant Classification Sherloc (09022015). Collection method: clinical testing. Allele origin: germline.
Comment: This variant, c.1417_1425del, results in the deletion of 3 amino acid(s) of the SLC27A5 protein (p.Ala473_Glu475del), but otherwise preserves the integrity of the reading frame. This variant is present in population databases (rs760807155, gnomAD 0.003%). This variant has not been reported in the literature in individuals affected with SLC27A5-related conditions. Experimental studies and prediction algorithms are not available or were not evaluated, and the functional significance of this variant is currently unknown. Algorithms developed to predict the effect of sequence changes on RNA splicing suggest that this variant may disrupt the consensus splice site. In summary, the available evidence is currently insufficient to determine the role of this variant in disease. Therefore, it has been classified as a Variant of Uncertain Significance.